The following is an entry in ClinVar:

NM_003742.4(ABCB11):c.733A>T (p.Ile245Phe)

Gene: ABCB11 (ATP binding cassette subfamily B member 11; minus strand). Cytogenetic location: 2q31.1.
Variant type: single nucleotide variant.
Coding change: c.733A>T on transcript NM_003742.4 (MANE Select); coding-DNA position 733, A replaced by T.
Protein change: p.Ile245Phe; replaces isoleucine 245 with phenylalanine.
Molecular consequence: missense variant.
Genome position (GRCh38, 1-based): chr2:168,993,761, T>A on the plus strand (A>T on the coding strand, the complement: ABCB11 is on the minus strand). VCF-style: chr2-168993761-T-A. GRCh37 (hg19) VCF-style: chr2-169850271-T-A.
Other names: short protein forms I245F.
Identifiers: ClinVar variation 4846051 (VCV004846051.1).

ClinVar aggregate classification (germline): Uncertain significance (1 of 4 stars; one submission).

Conditions:
Familial intrahepatic cholestasis. Identifiers: Orphanet 284385, MedGen CN296401, MONDO:0017290.

Submission:

Genomenon, Inc
Classification: Uncertain significance for Familial intrahepatic cholestasis. Last evaluated: 2026-04-14. Review status: criteria provided, single submitter. Criteria: Genomenon Sequence Variant Interpretation Standards - Updated. Collection method: curation. Allele origin: germline. Affected: no.
Comment: ABCB11 p.Ile245Phe (c.733A>T) is a missense variant that changes the amino acid at residue 245 from Isoleucine to Phenylalanine. This variant has been reported in the published literature (PMID:37208429). It is absent or not present at a significant frequency in gnomAD. In silico models predict that this variant is possibly or probably damaging. In conclusion, we classify ABCB11 p.Ile245Phe (c.733A>T) as a variant of uncertain significance.

Literature cited by the submitters: PubMed 37208429.